The following is an entry in ClinVar:

NM_005909.5(MAP1B):c.2002C>T (p.Pro668Ser)

Gene: MAP1B (microtubule associated protein 1B; plus strand). Cytogenetic location: 5q13.2.
Variant type: single nucleotide variant.
Coding change: c.2002C>T on transcript NM_005909.5 (MANE Select); coding-DNA position 2002, C replaced by T.
Protein change: p.Pro668Ser; replaces proline 668 with serine.
Molecular consequence: missense variant.
Genome position (GRCh38, 1-based): chr5:72,195,357, C>T. VCF-style: chr5-72195357-C-T. GRCh37 (hg19) VCF-style: chr5-71491184-C-T.
Other names: c.1624C>T, p.Pro542Ser (NM_001324255.2); short protein forms P542S, P668S.
Identifiers: ClinVar variation 2663643 (VCV002663643.1), dbSNP rs2478570466, ClinGen allele CA360003004.

ClinVar aggregate classification (germline): Uncertain significance (1 of 4 stars; one submission).

Submission:

GeneDx
Classification: Uncertain significance. Last evaluated: 2023-04-30. Review status: criteria provided, single submitter. Criteria: GeneDx Variant Classification Process June 2021. Collection method: clinical testing. Allele origin: germline. Affected: yes.
Comment: Not observed at significant frequency in large population cohorts (gnomAD); In silico analysis supports that this missense variant does not alter protein structure/function; Has not been previously published as pathogenic or benign to our knowledge